The following is an entry in ClinVar:

ClinVar aggregate classification (germline): Uncertain significance (1 of 4 stars; one submission).

Conditions:
Tuberous sclerosis 2 (TSC2). Identifiers: Orphanet 805, MedGen C1860707, MONDO:0013199, OMIM 613254.

Submission:

Labcorp Genetics (formerly Invitae), Labcorp
Classification: Uncertain significance for Tuberous sclerosis 2. Last evaluated: 2021-10-12. Review status: criteria provided, single submitter. Criteria: Invitae Variant Classification Sherloc (09022015). Collection method: clinical testing. Allele origin: germline.
Comment: In summary, the available evidence is currently insufficient to determine the role of this variant in disease. Therefore, it has been classified as a Variant of Uncertain Significance. Advanced modeling of protein sequence and biophysical properties (such as structural, functional, and spatial information, amino acid conservation, physicochemical variation, residue mobility, and thermodynamic stability) performed at Invitae indicates that this missense variant is not expected to disrupt TSC2 protein function. This variant has not been reported in the literature in individuals affected with TSC2-related conditions. This variant is not present in population databases (ExAC no frequency). This sequence change replaces alanine with serine at codon 516 of the TSC2 protein (p.Ala516Ser). The alanine residue is highly conserved and there is a moderate physicochemical difference between alanine and serine.

NM_000548.5(TSC2):c.1546G>T (p.Ala516Ser)

Gene: TSC2 (TSC complex subunit 2; plus strand). Cytogenetic location: 16p13.3.
Variant type: single nucleotide variant.
Coding change: c.1546G>T on transcript NM_000548.5 (MANE Select); coding-DNA position 1546, G replaced by T.
Protein change: p.Ala516Ser; replaces alanine 516 with serine.
Molecular consequence: missense variant.
Genome position (GRCh38, 1-based): chr16:2,064,374, G>T. VCF-style: chr16-2064374-G-T. GRCh37 (hg19) VCF-style: chr16-2114375-G-T.
Other names: c.1546G>T, p.Ala516Ser (NM_001077183.3, NM_001114382.3, NM_001363528.2 and 3 more transcripts); c.1435G>T, p.Ala479Ser (NM_001318827.2); c.1399G>T, p.Ala467Ser (NM_001318829.2); c.946G>T, p.Ala316Ser (NM_001318831.2); c.1579G>T, p.Ala527Ser (NM_001318832.2); short protein forms A467S, A527S, A316S, A479S, A516S.
Identifiers: ClinVar variation 1496366 (VCV001496366.6), dbSNP rs2151190732, ClinGen allele CA394326412.